The following is an entry in ClinVar:

NM_001277115.2(DNAH11):c.12255C>G (p.Cys4085Trp)

Gene: DNAH11 (dynein axonemal heavy chain 11; plus strand). Cytogenetic location: 7p15.3.
Variant type: single nucleotide variant.
Coding change: c.12255C>G on transcript NM_001277115.2 (MANE Select); coding-DNA position 12255, C replaced by G.
Protein change: p.Cys4085Trp; replaces cysteine 4085 with tryptophan.
Molecular consequence: missense variant.
Genome position (GRCh38, 1-based): chr7:21,880,761, C>G. VCF-style: chr7-21880761-C-G. GRCh37 (hg19) VCF-style: chr7-21920379-C-G.
Other names: c.12276C>G, p.Cys4092Trp (NM_003777.3); short protein forms C4085W, C4092W.
Identifiers: ClinVar variation 2729045 (VCV002729045.16), dbSNP rs374263671, ClinGen allele CA4183018.

ClinVar aggregate classification (germline): Conflicting classifications of pathogenicity. Review status: criteria provided, conflicting classifications (1 of 4 stars). 2 submissions from 2 submitters: Uncertain significance (1); Likely benign (1). Last evaluated 2025-01-01.

Conditions:
Primary ciliary dyskinesia. Also called: Ciliary dyskinesia. Identifiers: Orphanet 244, MedGen C0008780, MONDO:0016575, HP:0012265.

Allele frequency attached by ClinVar (database versions not stated): ExAC 0.00001; gnomAD 0.00001; TOPMed 0.00002; ESP Exome Variant Server 0.00008.
gnomAD v4.1: 2 of 1,613,870 alleles (0.00012%); highest among the groups gnomAD compares: African/African-American, 0.0027%; no homozygotes.

Submissions (2):

CeGaT Center for Human Genetics Tuebingen
Classification: Uncertain significance. Last evaluated: 2025-01-01. Review status: criteria provided, single submitter. Criteria: CeGaT Center For Human Genetics Tuebingen Variant Classification Criteria Version 2. Collection method: clinical testing. Allele origin: germline. Affected: yes. Observed: 1 variant allele.
Comment: DNAH11: PM2

Labcorp Genetics (formerly Invitae), Labcorp
Classification: Likely benign for Primary ciliary dyskinesia. Last evaluated: 2024-02-29. Review status: criteria provided, single submitter. Criteria: Invitae Variant Classification Sherloc (09022015). Collection method: clinical testing. Allele origin: germline.